The following is an entry in ClinVar:

NM_001267550.2(TTN):c.58470T>A (p.Asp19490Glu)

Genes: TTN (titin; minus strand), TTN-AS1 (TTN antisense RNA 1; plus strand). Cytogenetic location: 2q31.2.
Variant type: single nucleotide variant.
Coding change: c.58470T>A on transcript NM_001267550.2 (MANE Select); coding-DNA position 58470, T replaced by A.
Protein change: p.Asp19490Glu; replaces aspartic acid 19490 with glutamic acid.
Molecular consequence: missense variant.
Genome position (GRCh38, 1-based): chr2:178,593,830, A>T on the plus strand (T>A on the coding strand, the complement: TTN is on the minus strand). VCF-style: chr2-178593830-A-T. GRCh37 (hg19) VCF-style: chr2-179458557-A-T.
Other names: c.53547T>A, p.Asp17849Glu (NM_001256850.1); c.31275T>A, p.Asp10425Glu (NM_003319.4); c.50766T>A, p.Asp16922Glu (NM_133378.4); c.31650T>A, p.Asp10550Glu (NM_133432.3); c.31851T>A, p.Asp10617Glu (NM_133437.4); short protein forms D19490E, D10425E, D10550E, D16922E, D17849E, D10617E.
Identifiers: ClinVar variation 467313 (VCV000467313.26), dbSNP rs374118468, ClinGen allele CA1992846.
Genomic context (GRCh38, chr2:178,593,830, plus strand): 5'-ACTGCCTCCATCATCTAAAGGAGGCTTCCAAGAGATAACCATGTAATCTTTGGTCACCTC[A>T]TCAAAACTAACTGGTCCTACTGGTGGTCCAGGACGGTCTGCAGAAAAAAAAAATCATGGC-3'
Protein context (NP_001254479.2, residues 19480-19500): PGPPVGPVSF[Asp19490Glu]EVTKDYMVIS

ClinVar aggregate classification (germline): Conflicting classifications of pathogenicity. Review status: criteria provided, conflicting classifications (1 of 4 stars). 9 submissions from 9 submitters: Uncertain significance (5); Likely benign (2). 2 of the submissions do not count toward it. Last evaluated 2026-03-05.

Conditions:
Cardiovascular phenotype. Identifiers: MedGen CN230736.
Autosomal recessive limb-girdle muscular dystrophy type 2J (LGMDR10). Also called: Limb-girdle muscular dystrophy, type 2J; MUSCULAR DYSTROPHY, LIMB-GIRDLE, AUTOSOMAL RECESSIVE 10. Identifiers: Orphanet 140922, MedGen C1837342, MONDO:0012127, OMIM 608807.
Dilated cardiomyopathy 1G (CMD1G). Identifiers: Orphanet 154, MedGen C1858763, MONDO:0011400, OMIM 604145.
TTN-related disorder. Also called: TTN-related condition; TTN-related disease; TTN-related disorders.
Cardiomyopathy (CMYO). Also called: Cardiomyopathies. Identifiers: Orphanet 167848, MedGen C0878544, MONDO:0004994, HP:0001638. Inheritance: Various modes of inheritance.

Allele frequency attached by ClinVar (database versions not stated): gnomAD 0.00004 and 0.00005; TOPMed 0.00007.
gnomAD v4.1: 38 of 1,612,938 alleles (0.0024%); highest among the groups gnomAD compares: South Asian, 0.022%; no homozygotes.

Submissions (9):

PreventionGenetics, part of Exact Sciences
Classification: Uncertain significance for TTN-related condition. Last evaluated: 2026-03-05. Review status: criteria provided, single submitter. Criteria: ACMG Guidelines, 2015. Collection method: clinical testing. Allele origin: germline.
Comment: The TTN c.58470T>A variant is predicted to result in the amino acid substitution p.Asp19490Glu. To our knowledge, this variant has not been reported in the literature. This variant is reported in 0.020% of alleles in individuals of South Asian descent in gnomAD. At this time, the clinical significance of this variant is uncertain due to the absence of conclusive functional and genetic evidence.

Blueprint Genetics
Classification: Likely benign. Last evaluated: 2024-05-16. Review status: criteria provided, single submitter. Criteria: ACMG Guidelines, 2015. Collection method: clinical testing. Allele origin: germline.

Revvity Omics, Revvity
Classification: Uncertain significance. Last evaluated: 2023-06-30. Review status: criteria provided, single submitter. Criteria: ACMG Guidelines, 2015. Collection method: clinical testing. Allele origin: germline.

CHEO Genetics Diagnostic Laboratory, Children's Hospital of Eastern Ontario
Classification: Uncertain significance for Cardiomyopathy. Last evaluated: 2019-08-26. Review status: criteria provided, single submitter. Criteria: ACMG Guidelines, 2015. Collection method: clinical testing. Allele origin: germline.

GeneDx
Classification: Likely benign. Last evaluated: 2018-12-20. Review status: criteria provided, single submitter. Criteria: GeneDx Variant Classification Process June 2021. Collection method: clinical testing. Allele origin: germline. Affected: yes.

Labcorp Genetics (formerly Invitae), Labcorp
Classification: Uncertain significance for Dilated cardiomyopathy 1G; Autosomal recessive limb-girdle muscular dystrophy type 2J. Last evaluated: 2017-12-04. Review status: criteria provided, single submitter. Criteria: Invitae Variant Classification Sherloc (09022015). Collection method: clinical testing. Allele origin: germline.

Ambry Genetics
Classification: Uncertain significance for Cardiovascular phenotype. Last evaluated: 2017-08-24. Review status: criteria provided, single submitter. Criteria: Ambry Variant Classification Scheme 2023. Collection method: clinical testing. Allele origin: germline.
Comment: The p.D10425E variant (also known as c.31275T>A), located in coding exon 125 of the TTN gene, results from a T to A substitution at nucleotide position 31275. The aspartic acid at codon 10425 is replaced by glutamic acid, an amino acid with highly similar properties. This amino acid position is well conserved in available vertebrate species. In addition, this alteration is predicted to be tolerated by in silico analysis. Since supporting evidence is limited at this time, the clinical significance of this alteration remains unclear.

Clinical Genetics, Academic Medical Center
Classification: Uncertain significance. Review status: no assertion criteria provided. Collection method: clinical testing. Allele origin: germline. Affected: yes. Study: VKGL Data-share Consensus. Not counted in ClinVar's aggregate classification.

Diagnostic Laboratory, Department of Genetics, University Medical Center Groningen
Classification: Uncertain significance. Review status: no assertion criteria provided. Collection method: clinical testing. Allele origin: germline. Affected: yes. Study: VKGL Data-share Consensus. Not counted in ClinVar's aggregate classification.